The following is an entry in ClinVar:

NM_177438.3(DICER1):c.870A>G (p.Ser290=)

Gene: DICER1 (dicer 1, ribonuclease III; minus strand). Cytogenetic location: 14q32.13.
Variant type: single nucleotide variant.
Coding change: c.870A>G on transcript NM_177438.3 (MANE Select); coding-DNA position 870, A replaced by G.
Protein change: p.Ser290=; no amino-acid change (serine 290 retained).
Molecular consequence: synonymous variant.
Genome position (GRCh38, 1-based): chr14:95,126,613, T>C on the plus strand (A>G on the coding strand, the complement: DICER1 is on the minus strand). VCF-style: chr14-95126613-T-C. GRCh37 (hg19) VCF-style: chr14-95592950-T-C.
Other names: c.870A>G, p.Ser290= (NM_001195573.1, NM_001271282.3, NM_001291628.2 and 1 more transcripts).
Identifiers: ClinVar variation 417056 (VCV000417056.16), dbSNP rs1060504960, ClinGen allele CA16614718.

ClinVar aggregate classification (germline): Benign/Likely benign. Review status: criteria provided, multiple submitters, no conflicts (2 of 4 stars). 3 submissions from 3 submitters: Benign (1); Likely benign (2). Last evaluated 2026-08-18.

Conditions:
DICER1-related tumor predisposition. Also called: DICER1-related pleuropulmonary blastoma cancer predisposition syndrome; DICER1 syndrome. Identifiers: Orphanet 284343, MedGen C3839822, MONDO:0100216.
Hereditary cancer-predisposing syndrome. Also called: Hereditary Cancer Syndrome; Hereditary neoplastic syndrome; Neoplastic Syndromes, Hereditary; Tumor predisposition. Identifiers: Orphanet 140162, MedGen C0027672, MeSH D009386, MONDO:0015356.

Submissions (3):

Myriad Genetics, Inc.
Classification: Benign for DICER1-related tumor predisposition. Last evaluated: 2026-08-18. Review status: criteria provided, single submitter. Criteria: Myriad Autosomal Dominant, Autosomal Recessive and X-Linked Classification Criteria (2023). Collection method: clinical testing. Allele origin: unknown.
Comment: This variant is considered benign. This variant is a silent/synonymous amino acid change and it is not expected to impact splicing.

Labcorp Genetics (formerly Invitae), Labcorp
Classification: Likely benign for DICER1-related tumor predisposition. Last evaluated: 2025-12-10. Review status: criteria provided, single submitter. Criteria: Invitae Variant Classification Sherloc (09022015). Collection method: clinical testing. Allele origin: germline.

Ambry Genetics
Classification: Likely benign for Hereditary cancer-predisposing syndrome. Last evaluated: 2018-06-15. Review status: criteria provided, single submitter. Criteria: Ambry Variant Classification Scheme 2023. Collection method: clinical testing. Allele origin: germline.